The following is an entry in ClinVar:

NM_030962.4(SBF2):c.4933-13_4933-9del

Genes: SBF2 (SET binding factor 2; minus strand), SBF2-AS1 (SBF2 antisense RNA 1; plus strand), LOC105369149 (uncharacterized LOC105369149; plus strand). Cytogenetic location: 11p15.4.
Variant type: Deletion.
Coding change: c.4933-13_4933-9del on transcript NM_030962.4 (MANE Select); 13 bases into the intron before coding-DNA position 4933 through 9 bases into the intron before coding-DNA position 4933, 5 bases deleted (AATTT; older notation c.4933-13_4933-9delAATTT).
Molecular consequence: intron variant.
Genome position (GRCh38, 1-based): chr11:9,787,747-9,787,751, AAATT deleted on the plus strand (AATTT on the coding strand, the reverse complement: SBF2 is on the minus strand); deleting any 5 consecutive bases within chr11:9,787,747-9,787,754 gives the same sequence; the c. name uses the placement nearest the transcript's 3' end. VCF-style (leftmost placement, unchanged base first): chr11-9787746-GAAATT-G. GRCh37 (hg19) VCF-style: chr11-9809293-GAAATT-G.
Other names: c.4933-13_4933-9delAATTT (NM_030962.3); c.4804-13_4804-9del (NM_001386342.1); c.5029-13_5029-9del (NM_001386339.1).
Identifiers: ClinVar variation 580707 (VCV000580707.13), dbSNP rs767990042, ClinGen allele CA5880857.

ClinVar aggregate classification (germline): Likely benign. Review status: criteria provided, multiple submitters, no conflicts (2 of 4 stars). 2 submissions from 2 submitters: Likely benign (2). Last evaluated 2026-07-27.

Conditions:
Charcot-Marie-Tooth disease type 4. Also called: Charcot-Marie-Tooth disease, type IV; Charcot-Marie-Tooth, Type 4. Identifiers: Orphanet 64749, MedGen C4082197, MONDO:0018995.
SBF2-related disorder. Also called: SBF2-related condition.

Submissions (2):

PreventionGenetics, part of Exact Sciences
Classification: Likely benign for SBF2-related condition. Last evaluated: 2026-07-27. Review status: criteria provided, single submitter. Criteria: ACMG Guidelines, 2015. Collection method: clinical testing. Allele origin: germline.
Comment: This variant is classified as likely benign based on ACMG/AMP sequence variant interpretation guidelines (Richards et al. 2015 PMID: 25741868, with internal and published modifications).

Labcorp Genetics (formerly Invitae), Labcorp
Classification: Likely benign for Charcot-Marie-Tooth disease type 4. Last evaluated: 2024-07-05. Review status: criteria provided, single submitter. Criteria: Invitae Variant Classification Sherloc (09022015). Collection method: clinical testing. Allele origin: germline.